The following is an entry in ClinVar:

NM_022124.6(CDH23):c.628C>T (p.Gln210Ter)

Gene: CDH23 (cadherin related 23; plus strand). Cytogenetic location: 10q22.1.
Variant type: single nucleotide variant.
Coding change: c.628C>T on transcript NM_022124.6 (MANE Select); coding-DNA position 628, C replaced by T.
Protein change: p.Gln210Ter; replaces glutamine 210 with a stop codon.
Molecular consequence: nonsense.
Genome position (GRCh38, 1-based): chr10:71,570,793, C>T. VCF-style: chr10-71570793-C-T. GRCh37 (hg19) VCF-style: chr10-73330550-C-T.
Other names: c.628C>T, p.Gln210Ter (NM_001171930.2, NM_001171931.2, NM_001171932.2 and 1 more transcripts); short protein forms Q210*.
Identifiers: ClinVar variation 954716 (VCV000954716.7), dbSNP rs1857745217, ClinGen allele CA377112660.

ClinVar aggregate classification (germline): Pathogenic (1 of 4 stars; one submission).

Submission:

Labcorp Genetics (formerly Invitae), Labcorp
Classification: Pathogenic. Last evaluated: 2019-09-24. Review status: criteria provided, single submitter. Criteria: Invitae Variant Classification Sherloc (09022015). Collection method: clinical testing. Allele origin: germline.
Comment: For these reasons, this variant has been classified as Pathogenic. Loss-of-function variants in CDH23 are known to be pathogenic (PMID: 11138009, 21940737). This variant has not been reported in the literature in individuals with CDH23-related conditions. This variant is not present in population databases (ExAC no frequency). This sequence change creates a premature translational stop signal (p.Gln210*) in the CDH23 gene. It is expected to result in an absent or disrupted protein product.

Literature cited by the submitters: PubMed 11138009; PubMed 21940737.